The following is an entry in ClinVar:

NM_000126.4(ETFA):c.345C>A (p.Phe115Leu)

Gene: ETFA (electron transfer flavoprotein subunit alpha; minus strand). Cytogenetic location: 15q24.2.
Variant type: single nucleotide variant.
Coding change: c.345C>A on transcript NM_000126.4 (MANE Select); coding-DNA position 345, C replaced by A.
Protein change: p.Phe115Leu; replaces phenylalanine 115 with leucine.
Molecular consequence: missense variant.
Genome position (GRCh38, 1-based): chr15:76,292,437, G>T on the plus strand (C>A on the coding strand, the complement: ETFA is on the minus strand). VCF-style: chr15-76292437-G-T. GRCh37 (hg19) VCF-style: chr15-76584778-G-T.
Other names: c.198C>A, p.Phe66Leu (NM_001127716.2); short protein forms F115L, F66L.
Identifiers: ClinVar variation 1996754 (VCV001996754.4), dbSNP rs760557143, ClinGen allele CA393516655.

ClinVar aggregate classification (germline): Uncertain significance (1 of 4 stars; one submission).

Conditions:
Multiple acyl-CoA dehydrogenase deficiency (MADD). Also called: Glutaric acidemia type II; GA 2; Glutaric aciduria, type 2; ETHYLMALONIC-ADIPICACIDURIA; GA II; Glutaric Acidemia type 2. Identifiers: Orphanet 26791, MedGen C0268596, MONDO:0009282, OMIM 231680.

Submission:

Labcorp Genetics (formerly Invitae), Labcorp
Classification: Uncertain significance for Multiple acyl-CoA dehydrogenase deficiency. Last evaluated: 2023-12-06. Review status: criteria provided, single submitter. Criteria: Invitae Variant Classification Sherloc (09022015). Collection method: clinical testing. Allele origin: germline.
Comment: This sequence change replaces phenylalanine, which is neutral and non-polar, with leucine, which is neutral and non-polar, at codon 115 of the ETFA protein (p.Phe115Leu). This variant is not present in population databases (gnomAD no frequency). This variant has not been reported in the literature in individuals affected with ETFA-related conditions. ClinVar contains an entry for this variant (Variation ID: 1996754). Advanced modeling of protein sequence and biophysical properties (such as structural, functional, and spatial information, amino acid conservation, physicochemical variation, residue mobility, and thermodynamic stability) performed at Invitae indicates that this missense variant is not expected to disrupt ETFA protein function with a negative predictive value of 80%. In summary, the available evidence is currently insufficient to determine the role of this variant in disease. Therefore, it has been classified as a Variant of Uncertain Significance.